The following is an entry in ClinVar:

ClinVar aggregate classification (germline): Uncertain significance. Review status: criteria provided, multiple submitters, no conflicts (2 of 4 stars). 2 submissions from 2 submitters: Uncertain significance (2). Last evaluated 2022-06-13.

Allele frequency attached by ClinVar (database versions not stated): ExAC 0.00002; TOPMed 0.00002; gnomAD 0.00003.
gnomAD v4.1: 21 of 1,614,066 alleles (0.0013%); highest among the groups gnomAD compares: African/African-American, 0.019%; no homozygotes.

Submissions (2):

Blueprint Genetics
Classification: Uncertain significance. Last evaluated: 2022-06-13. Review status: criteria provided, single submitter. Criteria: ACMG Guidelines, 2015. Collection method: clinical testing. Allele origin: germline.

Labcorp Genetics (formerly Invitae), Labcorp
Classification: Uncertain significance. Last evaluated: 2022-02-03. Review status: criteria provided, single submitter. Criteria: Invitae Variant Classification Sherloc (09022015). Collection method: clinical testing. Allele origin: germline.
Comment: This sequence change replaces asparagine, which is neutral and polar, with serine, which is neutral and polar, at codon 5097 of the USH2A protein (p.Asn5097Ser). This variant is present in population databases (rs750522651, gnomAD 0.008%). This variant has not been reported in the literature in individuals affected with USH2A-related conditions. Algorithms developed to predict the effect of missense changes on protein structure and function output the following: SIFT: "Tolerated"; PolyPhen-2: "Benign"; Align-GVGD: "Class C0". The serine amino acid residue is found in multiple mammalian species, which suggests that this missense change does not adversely affect protein function. In summary, the available evidence is currently insufficient to determine the role of this variant in disease. Therefore, it has been classified as a Variant of Uncertain Significance.

NM_206933.4(USH2A):c.15290A>G (p.Asn5097Ser)

Gene: USH2A (usherin; minus strand). Cytogenetic location: 1q41.
Variant type: single nucleotide variant.
Coding change: c.15290A>G on transcript NM_206933.4 (MANE Select); coding-DNA position 15290, A replaced by G.
Protein change: p.Asn5097Ser; replaces asparagine 5097 with serine.
Molecular consequence: missense variant.
Genome position (GRCh38, 1-based): chr1:215,634,466, T>C on the plus strand (A>G on the coding strand, the complement: USH2A is on the minus strand). VCF-style: chr1-215634466-T-C. GRCh37 (hg19) VCF-style: chr1-215807808-T-C.
Other names: short protein forms N5097S.
Identifiers: ClinVar variation 2145903 (VCV002145903.2), dbSNP rs750522651, ClinGen allele CA1392749.